The following is an entry in ClinVar:

ClinVar aggregate classification (germline): Uncertain significance. Review status: criteria provided, multiple submitters, no conflicts (2 of 4 stars). 5 submissions from 5 submitters: Uncertain significance (5). Last evaluated 2025-12-01.

Conditions:
Inborn genetic diseases. Identifiers: MedGen C0950123, MeSH D030342.

Allele frequency attached by ClinVar (database versions not stated): ExAC 0.00001; gnomAD exomes 0.00001; gnomAD 0.00003; TOPMed 0.00005; ESP Exome Variant Server 0.00008.

Submissions (5):

Labcorp Genetics (formerly Invitae), Labcorp
Classification: Uncertain significance. Last evaluated: 2025-12-01. Review status: criteria provided, single submitter. Criteria: Invitae Variant Classification Sherloc (09022015). Collection method: clinical testing. Allele origin: germline.
Comment: This sequence change replaces valine, which is neutral and non-polar, with leucine, which is neutral and non-polar, at codon 290 of the SAMD9 protein (p.Val290Leu). This variant is present in population databases (rs139583166, gnomAD 0.0009%). This variant has not been reported in the literature in individuals affected with SAMD9-related conditions. ClinVar contains an entry for this variant (Variation ID: 1312702). Invitae Evidence Modeling of protein sequence and biophysical properties (such as structural, functional, and spatial information, amino acid conservation, physicochemical variation, residue mobility, and thermodynamic stability) has been performed for this missense variant. However, the output from this modeling did not meet the statistical confidence thresholds required to predict the impact of this variant on SAMD9 protein function. In summary, the available evidence is currently insufficient to determine the role of this variant in disease. Therefore, it has been classified as a Variant of Uncertain Significance.

Ambry Genetics
Classification: Uncertain significance for Inborn genetic diseases. Last evaluated: 2024-11-20. Review status: criteria provided, single submitter. Criteria: Ambry Variant Classification Scheme 2023. Collection method: clinical testing. Allele origin: germline.
Comment: The p.V290L variant (also known as c.868G>C), located in coding exon 1 of the SAMD9 gene, results from a G to C substitution at nucleotide position 868. The valine at codon 290 is replaced by leucine, an amino acid with highly similar properties. This amino acid position is conserved. In addition, this alteration is predicted to be tolerated by in silico analysis. Based on the available evidence, the clinical significance of this variant remains unclear.

GeneDx
Classification: Uncertain significance. Last evaluated: 2024-01-30. Review status: criteria provided, single submitter. Criteria: GeneDx Variant Classification Process June 2021. Collection method: clinical testing. Allele origin: germline. Affected: yes.
Comment: Not observed at significant frequency in large population cohorts (gnomAD); In silico analysis supports that this missense variant does not alter protein structure/function; Has not been previously published as pathogenic or benign to our knowledge; This variant is associated with the following publications: (PMID: 28545555)

Blueprint Genetics
Classification: Uncertain significance. Last evaluated: 2022-07-11. Review status: criteria provided, single submitter. Criteria: ACMG Guidelines, 2015. Collection method: clinical testing. Allele origin: germline.

Genetic Services Laboratory, University of Chicago
Classification: Uncertain significance. Last evaluated: 2021-03-01. Review status: criteria provided, single submitter. Criteria: ACMG Guidelines, 2015. Collection method: clinical testing. Allele origin: germline. Affected: no.
Comment: This sequence change does not appear to have been previously described in patients with SAMD9-related disorders and has been described in the gnomAD database with a low population frequency of 0.00080% (dbSNP rs139583166). The p.Val290Leu change affects a moderately conserved amino acid residue located in a domain of the SAMD9 protein that is not known to be functional. In-silico pathogenicity prediction tools (SIFT, PolyPhen2, Align GVGD, REVEL) provide contradictory results for the p.Val290Leu substitution. Due to these contrasting evidences and the lack of functional studies, the clinical significance of the p.Val290Leu change remains unknown at this time.

NM_017654.4(SAMD9):c.868G>C (p.Val290Leu)

Gene: SAMD9 (sterile alpha motif domain containing 9; minus strand). Cytogenetic location: 7q21.2.
Variant type: single nucleotide variant.
Coding change: c.868G>C on transcript NM_017654.4 (MANE Select); coding-DNA position 868, G replaced by C.
Protein change: p.Val290Leu; replaces valine 290 with leucine.
Molecular consequence: missense variant.
Genome position (GRCh38, 1-based): chr7:93,105,230, C>G on the plus strand (G>C on the coding strand, the complement: SAMD9 is on the minus strand). VCF-style: chr7-93105230-C-G. GRCh37 (hg19) VCF-style: chr7-92734543-C-G.
Other names: c.868G>C, p.Val290Leu (NM_001193307.2); short protein forms V290L.
Identifiers: ClinVar variation 1312702 (VCV001312702.17), dbSNP rs139583166, ClinGen allele CA4343067.